The following is an entry in ClinVar:

ClinVar aggregate classification (germline): Likely pathogenic. Review status: criteria provided, multiple submitters, no conflicts (2 of 4 stars). 4 submissions from 4 submitters: Likely pathogenic (4). Last evaluated 2025-02-05.

Conditions:
Pigmentary retinal dystrophy. Also called: Fundus albipunctatus. Identifiers: Orphanet 227796, Orphanet 52427, MedGen C0311338, MONDO:0007639, OMIM 136880, HP:0030642.
RDH5-related disorder. Also called: RDH5-related condition.

Allele frequency attached by ClinVar (database versions not stated): gnomAD 0.00001; gnomAD exomes 0.00002 and 0.00003; TOPMed 0.00002; ExAC 0.00005.

Submissions (4):

Women's Health and Genetics/Laboratory Corporation of America, LabCorp
Classification: Likely pathogenic for Pigmentary retinal dystrophy. Last evaluated: 2025-02-05. Review status: criteria provided, single submitter. Criteria: LabCorp Variant Classification Summary - May 2015. Collection method: clinical testing. Allele origin: germline.
Comment: Variant summary: RDH5 c.470G>A (p.Arg157Gln) results in a conservative amino acid change in the encoded protein sequence. Four of five in-silico tools predict a damaging effect of the variant on protein function. The variant allele was found at a frequency of 3.2e-05 in 249422 control chromosomes. c.470G>A has been reported in the literature in compound heterozygous and homozygous individuals affected with Pigmentary retinal dystrophy (Hajali_2009, Lin_2024). These data indicate that the variant may be associated with disease. A same codon different amino acid change, c.469C>T (p.Arg157Trp), has been reported in multiple individuals with Pigmentary retinal dystrophy and classified as pathogenic by other clinical labs in ClinVar, indicating the importance of this amino acid in protein function. To our knowledge, no experimental evidence demonstrating an impact on protein function has been reported. The following publications have been ascertained in the context of this evaluation (PMID: 18949499, 31964843, 38219857). ClinVar contains an entry for this variant (Variation ID: 1509664). Based on the evidence outlined above, the variant was classified as likely pathogenic.

Labcorp Genetics (formerly Invitae), Labcorp
Classification: Likely pathogenic. Last evaluated: 2023-06-11. Review status: criteria provided, single submitter. Criteria: Invitae Variant Classification Sherloc (09022015). Collection method: clinical testing. Allele origin: germline.
Comment: ClinVar contains an entry for this variant (Variation ID: 1509664). In summary, the currently available evidence indicates that the variant is pathogenic, but additional data are needed to prove that conclusively. Therefore, this variant has been classified as Likely Pathogenic. This variant disrupts the p.Arg157 amino acid residue in RDH5. Other variant(s) that disrupt this residue have been determined to be pathogenic (PMID: 11153648, 14991316). This suggests that this residue is clinically significant, and that variants that disrupt this residue are likely to be disease-causing. Algorithms developed to predict the effect of sequence changes on RNA splicing suggest that this variant may create or strengthen a splice site. Advanced modeling of protein sequence and biophysical properties (such as structural, functional, and spatial information, amino acid conservation, physicochemical variation, residue mobility, and thermodynamic stability) has been performed at Invitae for this missense variant, however the output from this modeling did not meet the statistical confidence thresholds required to predict the impact of this variant on RDH5 protein function. This missense change has been observed in individuals with fundus albipunctatus (PMID: 18949499, 21529959). This variant is present in population databases (rs769619405, gnomAD 0.007%). This sequence change replaces arginine, which is basic and polar, with glutamine, which is neutral and polar, at codon 157 of the RDH5 protein (p.Arg157Gln).

Blueprint Genetics
Classification: Likely pathogenic for RDH5-related disorders. Last evaluated: 2023-04-17. Review status: criteria provided, single submitter. Criteria: ACMG Guidelines, 2015. Collection method: clinical testing. Allele origin: germline. Affected: yes. Observed: 3 variant alleles.

Juno Genomics, Hangzhou Juno Genomics, Inc
Classification: Likely pathogenic for Pigmentary retinal dystrophy. Review status: criteria provided, single submitter. Criteria: ACMG Guidelines, 2015. Collection method: clinical testing. Allele origin: germline.
Comment: Absent from controls (or at extremely low frequency if recessive) in Genome Aggregation Database.;Multiple lines of computational evidence support a deleterious effect on the gene or gene product.;For recessive disorders, detected in trans with a pathogenic variant.;Patient's phenotype or family history is highly specific for a disease with a single genetic etiology.

Literature cited by the submitters: PubMed 31964843 (cited by Women's Health and Genetics/Laboratory Corporation of America, LabCorp); PubMed 38219857 (cited by Women's Health and Genetics/Laboratory Corporation of America, LabCorp); PubMed 18949499 (cited by Women's Health and Genetics/Laboratory Corporation of America, LabCorp and Labcorp Genetics (formerly Invitae), Labcorp); PubMed 11153648 (cited by Labcorp Genetics (formerly Invitae), Labcorp); PubMed 14991316 (cited by Labcorp Genetics (formerly Invitae), Labcorp); PubMed 21529959 (cited by Labcorp Genetics (formerly Invitae), Labcorp).

NM_002905.5(RDH5):c.470G>A (p.Arg157Gln)

Genes: BLOC1S1-RDH5 (BLOC1S1-RDH5 readthrough; plus strand), RDH5 (retinol dehydrogenase 5; plus strand). Cytogenetic location: 12q13.2.
Variant type: single nucleotide variant.
Coding change: c.470G>A on transcript NM_002905.5 (MANE Select); coding-DNA position 470, G replaced by A.
Protein change: p.Arg157Gln; replaces arginine 157 with glutamine.
Molecular consequence: missense variant. On other transcripts: non-coding transcript variant (1).
Genome position (GRCh38, 1-based): chr12:55,721,848, G>A. VCF-style: chr12-55721848-G-A. GRCh37 (hg19) VCF-style: chr12-56115632-G-A.
Other names: c.470G>A, p.Arg157Gln (NM_001199771.3); short protein forms R157Q.
Identifiers: ClinVar variation 1509664 (VCV001509664.10), dbSNP rs769619405, ClinGen allele CA6616845.